The following is an entry in ClinVar:

NM_000503.6(EYA1):c.1318C>T (p.Arg440Trp)

Gene: EYA1 (EYA transcriptional coactivator and phosphatase 1; minus strand). Cytogenetic location: 8q13.3.
Variant type: single nucleotide variant.
Coding change: c.1318C>T on transcript NM_000503.6 (MANE Select); coding-DNA position 1318, C replaced by T.
Protein change: p.Arg440Trp; replaces arginine 440 with tryptophan.
Molecular consequence: missense variant.
Genome position (GRCh38, 1-based): chr8:71,216,734, G>A on the plus strand (C>T on the coding strand, the complement: EYA1 is on the minus strand). VCF-style: chr8-71216734-G-A. GRCh37 (hg19) VCF-style: chr8-72128969-G-A.
Other names: c.1300C>T, p.Arg434Trp (NM_001288574.2, NM_172059.5); c.952C>T, p.Arg318Trp (NM_001288575.2); c.1405C>T, p.Arg469Trp (NM_001370333.1); c.1318C>T, p.Arg440Trp (NM_001370334.1, NM_001370335.1, NM_172058.4); c.1297C>T, p.Arg433Trp (NM_001370336.1); short protein forms R440W, R318W, R433W, R434W, R469W.
Identifiers: ClinVar variation 228676 (VCV000228676.7), dbSNP rs376931849, ClinGen allele CA4779503.

ClinVar aggregate classification (germline): Uncertain significance. Review status: criteria provided, multiple submitters, no conflicts (2 of 4 stars). 3 submissions from 3 submitters: Uncertain significance (3). Last evaluated 2025-09-02.

Conditions:
Melnick-Fraser syndrome (BOR). Also called: Branchiootorenal Syndrome (BORS); Branchio-oto-renal syndrome; Branchiootorenal syndrome. Identifiers: Orphanet 107, MedGen C0265234, MONDO:0007029.
Otofaciocervical syndrome 1 (OTFCS). Identifiers: MedGen C3714941, MONDO:0024532, OMIM 166780.
Branchiootorenal syndrome 1. Also called: Branchio-Oto-Renal Syndrome 1. Identifiers: Orphanet 107, MedGen C4551702, MONDO:0007236, OMIM 113650.
Branchiootic syndrome 1 (BOS1). Also called: BO SYNDROME 1; BRANCHIOOTIC DYSPLASIA. Identifiers: MedGen C1865143, MONDO:0011258, OMIM 602588.

Allele frequency attached by ClinVar (database versions not stated): ExAC 0.00001; gnomAD exomes 0.00002 and 0.00003; TOPMed 0.00002; ESP Exome Variant Server 0.00015.
gnomAD v4.1: 24 of 1,612,862 alleles (0.0015%); highest among the groups gnomAD compares: Middle Eastern, 0.016%; no homozygotes.

Submissions (3):

Labcorp Genetics (formerly Invitae), Labcorp
Classification: Uncertain significance for Melnick-Fraser syndrome. Last evaluated: 2025-09-02. Review status: criteria provided, single submitter. Criteria: Invitae Variant Classification Sherloc (09022015). Collection method: clinical testing. Allele origin: germline.
Comment: This sequence change replaces arginine, which is basic and polar, with tryptophan, which is neutral and slightly polar, at codon 440 of the EYA1 protein (p.Arg440Trp). This variant is present in population databases (rs376931849, gnomAD 0.004%). This variant has not been reported in the literature in individuals affected with EYA1-related conditions. ClinVar contains an entry for this variant (Variation ID: 228676). Invitae Evidence Modeling of protein sequence and biophysical properties (such as structural, functional, and spatial information, amino acid conservation, physicochemical variation, residue mobility, and thermodynamic stability) has been performed for this missense variant. However, the output from this modeling did not meet the statistical confidence thresholds required to predict the impact of this variant on EYA1 protein function. This variant disrupts the p.Arg440 amino acid residue in EYA1. Other variant(s) that disrupt this residue have been determined to be pathogenic (PMID: 10464653, 15146463, 21280147, 28832562). This suggests that this residue is clinically significant, and that variants that disrupt this residue are likely to be disease-causing. In summary, the available evidence is currently insufficient to determine the role of this variant in disease. Therefore, it has been classified as a Variant of Uncertain Significance.

Fulgent Genetics
Classification: Uncertain significance for Branchiootorenal syndrome 1; Otofaciocervical syndrome 1; Branchiootic syndrome 1. Last evaluated: 2024-04-02. Review status: criteria provided, single submitter. Criteria: ACMG Guidelines, 2015. Collection method: clinical testing. Allele origin: germline.

Laboratory for Molecular Medicine, Mass General Brigham Personalized Medicine
Classification: Uncertain significance. Last evaluated: 2015-07-05. Review status: criteria provided, single submitter. Criteria: LMM Criteria. Collection method: clinical testing. Allele origin: germline. Observed: 2 variant alleles.
Comment: Variant classified as Uncertain Significance - Favor Pathogenic. The p.Arg440Trp variant in EYA1 has not been previously reported in individuals with hearing lo ss or Branchio-oto-renal syndrome (BOR), but has been identified in 2/8600 Europ ean American chromosomes by the NHLBI Exome Sequencing Project (dbSNP rs376931849). Although this variant has been seen in th e general population, its frequency is not high enough to rule out a pathogenic role. A different variant at this same position, p.Arg440Gln, is pathogenic for Branchio-oto-renal syndrome, suggesting that variants at this position may not b e tolerated. Computational prediction tools and conservation analysis suggest th at the p.Arg440Trp variant may impact the protein, though this information is no t predictive enough to determine pathogenicity. In summary, while there is some suspicion for a pathogenic role, the clinical significance of the p.Arg440Trp va riant is uncertain.

Literature cited by the submitters: PubMed 10464653 (cited by Labcorp Genetics (formerly Invitae), Labcorp); PubMed 15146463 (cited by Labcorp Genetics (formerly Invitae), Labcorp); PubMed 21280147 (cited by Labcorp Genetics (formerly Invitae), Labcorp); PubMed 28832562 (cited by Labcorp Genetics (formerly Invitae), Labcorp).